The following is an entry in ClinVar:

ClinVar aggregate classification (germline): Uncertain significance. Review status: criteria provided, multiple submitters, no conflicts (2 of 4 stars). 2 submissions from 2 submitters: Uncertain significance (2). Last evaluated 2020-08-27.

Conditions:
Charcot-Marie-Tooth disease type 2E (CMT2E). Also called: CHARCOT-MARIE-TOOTH NEUROPATHY, TYPE 2E; CHARCOT-MARIE-TOOTH DISEASE, AXONAL, TYPE 2E. Identifiers: Orphanet 99939, MedGen C1843225, MONDO:0011894, OMIM 607684.

Allele frequency attached by ClinVar (database versions not stated): ExAC 0.00002.
gnomAD v4.1: 5 of 1,603,916 alleles (0.00031%); highest among the groups gnomAD compares: Non-Finnish European, 0.00034%; no homozygotes.

Submissions (2):

Labcorp Genetics (formerly Invitae), Labcorp
Classification: Uncertain significance for Charcot-Marie-Tooth disease type 2E. Last evaluated: 2020-08-27. Review status: criteria provided, single submitter. Criteria: Invitae Variant Classification Sherloc (09022015). Collection method: clinical testing. Allele origin: germline.
Comment: In summary, the available evidence is currently insufficient to determine the role of this variant in disease. Therefore, it has been classified as a Variant of Uncertain Significance. Experimental studies and prediction algorithms are not available or were not evaluated, and the functional significance of this variant is currently unknown. This variant has not been reported in the literature in individuals with NEFL-related conditions. This variant is present in population databases (rs745353207, ExAC 0.003%). This sequence change replaces arginine with proline at codon 23 of the NEFL protein (p.Arg23Pro). The arginine residue is highly conserved and there is a moderate physicochemical difference between arginine and proline.

Blueprint Genetics
Classification: Uncertain significance. Last evaluated: 2018-12-18. Review status: criteria provided, single submitter. Criteria: ACMG Guidelines, 2015. Collection method: clinical testing. Allele origin: germline.

NM_006158.5(NEFL):c.68G>C (p.Arg23Pro)

Gene: NEFL (neurofilament light chain; minus strand). Cytogenetic location: 8p21.2.
Variant type: single nucleotide variant.
Coding change: c.68G>C on transcript NM_006158.5 (MANE Select); coding-DNA position 68, G replaced by C.
Protein change: p.Arg23Pro; replaces arginine 23 with proline.
Molecular consequence: missense variant.
Genome position (GRCh38, 1-based): chr8:24,956,448, C>G on the plus strand (G>C on the coding strand, the complement: NEFL is on the minus strand). VCF-style: chr8-24956448-C-G. GRCh37 (hg19) VCF-style: chr8-24813962-C-G.
Other names: short protein forms R23P.
Identifiers: ClinVar variation 1017423 (VCV001017423.6), dbSNP rs745353207, ClinGen allele CA4681557.